The following is an entry in ClinVar:

ClinVar aggregate classification (germline): Likely pathogenic (1 of 4 stars; one submission).

Conditions:
Dilated cardiomyopathy 1G (CMD1G). Identifiers: Orphanet 154, MedGen C1858763, MONDO:0011400, OMIM 604145.
Autosomal recessive limb-girdle muscular dystrophy type 2J (LGMDR10). Also called: Limb-girdle muscular dystrophy, type 2J; MUSCULAR DYSTROPHY, LIMB-GIRDLE, AUTOSOMAL RECESSIVE 10. Identifiers: Orphanet 140922, MedGen C1837342, MONDO:0012127, OMIM 608807.

Submission:

Labcorp Genetics (formerly Invitae), Labcorp
Classification: Likely pathogenic for Dilated cardiomyopathy 1G; Autosomal recessive limb-girdle muscular dystrophy type 2J. Last evaluated: 2026-01-11. Review status: criteria provided, single submitter. Criteria: Invitae Variant Classification Sherloc (09022015). Collection method: clinical testing. Allele origin: germline.
Comment: This sequence change creates a premature translational stop signal (p.Lys29943*) in the TTN gene. While this is not anticipated to result in nonsense mediated decay, it is expected to create a truncated TTN protein. This variant is not present in population databases (gnomAD no frequency). This variant has not been reported in the literature in individuals affected with TTN-related conditions. ClinVar contains an entry for this variant (Variation ID: 1066248). This variant is located in the A band of TTN (PMID: 25589632). Truncating variants in this region are significantly overrepresented in patients affected with dilated cardiomyopathy (PMID: 25589632). Truncating variants in this region have also been reported in individuals affected with autosomal recessive centronuclear myopathy (PMID: 23975875). In summary, the currently available evidence indicates that the variant is pathogenic, but additional data are needed to prove that conclusively. Therefore, this variant has been classified as Likely Pathogenic.

Literature cited by the submitters: PubMed 25589632; PubMed 23975875.

NM_001267550.2(TTN):c.89827A>T (p.Lys29943Ter)

Genes: TTN (titin; minus strand), TTN-AS1 (TTN antisense RNA 1; plus strand). Cytogenetic location: 2q31.2.
Variant type: single nucleotide variant.
Coding change: c.89827A>T on transcript NM_001267550.2 (MANE Select); coding-DNA position 89827, A replaced by T.
Protein change: p.Lys29943Ter; replaces lysine 29943 with a stop codon.
Molecular consequence: nonsense.
Genome position (GRCh38, 1-based): chr2:178,553,073, T>A on the plus strand (A>T on the coding strand, the complement: TTN is on the minus strand). VCF-style: chr2-178553073-T-A. GRCh37 (hg19) VCF-style: chr2-179417800-T-A.
Other names: c.84904A>T, p.Lys28302Ter (NM_001256850.1); c.62632A>T, p.Lys20878Ter (NM_003319.4); c.82123A>T, p.Lys27375Ter (NM_133378.4); c.63007A>T, p.Lys21003Ter (NM_133432.3); c.63208A>T, p.Lys21070Ter (NM_133437.4); short protein forms K20878*, K21003*, K21070*, K27375*, K28302*, K29943*.
Identifiers: ClinVar variation 1066248 (VCV001066248.9), dbSNP rs2154151737, ClinGen allele CA349515583.